The following is an entry in ClinVar:

ClinVar aggregate classification (germline): Conflicting classifications of pathogenicity. Review status: criteria provided, conflicting classifications (1 of 4 stars). 3 submissions from 3 submitters: Likely pathogenic (2); Uncertain significance (1). Last evaluated 2025-11-24.

Conditions:
TTN-related disorder. Also called: TTN-related condition; TTN-related disease; TTN-related disorders.
Dilated cardiomyopathy 1G (CMD1G). Identifiers: Orphanet 154, MedGen C1858763, MONDO:0011400, OMIM 604145.
Autosomal recessive limb-girdle muscular dystrophy type 2J (LGMDR10). Also called: Limb-girdle muscular dystrophy, type 2J; MUSCULAR DYSTROPHY, LIMB-GIRDLE, AUTOSOMAL RECESSIVE 10. Identifiers: Orphanet 140922, MedGen C1837342, MONDO:0012127, OMIM 608807.

Allele frequency attached by ClinVar (database versions not stated): gnomAD exomes below 0.00001; TOPMed below 0.00001.
gnomAD v4.1: 2 of 1,613,418 alleles (0.00012%); highest among the groups gnomAD compares: Non-Finnish European, 0.00017%; no homozygotes.

Submissions (3):

Dasa
Classification: Uncertain significance for Dilated cardiomyopathy 1G. Last evaluated: 2025-11-24. Review status: criteria provided, single submitter. Criteria: DASA Assertion Criteria. Collection method: clinical testing. Allele origin: germline.
Comment: NM_001267550.2(TTN):c.3963+1G>T affects a canonical splice site and is predicted to disrupt normal RNA splicing. This variant is rare in population databases. The currently available literature and clinical evidence are not sufficient to establish a definitive association between this variant and the reported condition. Therefore, this variant is classified as a variant of uncertain significance.

Labcorp Genetics (formerly Invitae), Labcorp
Classification: Likely pathogenic for Dilated cardiomyopathy 1G; Autosomal recessive limb-girdle muscular dystrophy type 2J. Last evaluated: 2025-04-11. Review status: criteria provided, single submitter. Criteria: Invitae Variant Classification Sherloc (09022015). Collection method: clinical testing. Allele origin: germline.
Comment: This sequence change affects a donor splice site in intron 23 of the TTN gene. It is expected to disrupt RNA splicing and likely results in a truncated or disrupted TTN protein. This variant is not present in population databases (gnomAD no frequency). This variant has not been reported in the literature in individuals affected with TTN-related conditions. ClinVar contains an entry for this variant (Variation ID: 636594). Algorithms developed to predict the effect of sequence changes on RNA splicing suggest that this variant may disrupt the consensus splice site. This variant is located in the Z band of TTN (PMID: 25589632). Truncating variants in this region have been reported in individuals affected with autosomal recessive centronuclear myopathy (PMID: 33449170, internal data). Truncating variants in this region have also been identified in individuals affected with autosomal dominant dilated cardiomyopathy and/or cardio-related conditions (PMID: 27869827, 32964742, internal data). In summary, the currently available evidence indicates that the variant is pathogenic, but additional data are needed to prove that conclusively. Therefore, this variant has been classified as Likely Pathogenic.

Blueprint Genetics
Classification: Likely pathogenic for TTN-related disorders. Last evaluated: 2018-03-12. Review status: criteria provided, single submitter. Criteria: ACMG Guidelines, 2015. Collection method: clinical testing. Allele origin: germline. Affected: yes. Observed: 1 variant allele.

Literature cited by the submitters: PubMed 25589632 (cited by Labcorp Genetics (formerly Invitae), Labcorp); PubMed 33449170 (cited by Labcorp Genetics (formerly Invitae), Labcorp); PubMed 27869827 (cited by Labcorp Genetics (formerly Invitae), Labcorp); PubMed 32964742 (cited by Labcorp Genetics (formerly Invitae), Labcorp).

NM_001267550.2(TTN):c.3963+1G>T

Genes: TTN (titin; minus strand), LOC101927055 (uncharacterized LOC101927055; plus strand). Cytogenetic location: 2q31.2.
Variant type: single nucleotide variant.
Coding change: c.3963+1G>T on transcript NM_001267550.2 (MANE Select); the canonical splice donor site of the intron after coding-DNA position 3963, G replaced by T.
Molecular consequence: splice donor variant.
Genome position (GRCh38, 1-based): chr2:178,779,228, C>A on the plus strand (G>T on the coding strand, the complement: TTN is on the minus strand). VCF-style: chr2-178779228-C-A. GRCh37 (hg19) VCF-style: chr2-179643955-C-A.
Other names: c.3825+1G>T (NM_003319.4, NM_133437.4, NM_133432.3); c.3963+1G>T (NM_133378.4, NM_001256850.1, NM_133379.5).
Identifiers: ClinVar variation 636594 (VCV000636594.9), dbSNP rs1561325112, ClinGen allele CA349475587.